The following is an entry in ClinVar:

NM_001082538.3(TCTN1):c.960C>T (p.Cys320=)

Gene: TCTN1 (tectonic family member 1; plus strand). Cytogenetic location: 12q24.11.
Variant type: single nucleotide variant.
Coding change: c.960C>T on transcript NM_001082538.3 (MANE Select); coding-DNA position 960, C replaced by T.
Protein change: p.Cys320=; no amino-acid change (cysteine 320 retained).
Molecular consequence: synonymous variant. On other transcripts: non-coding transcript variant (1).
Genome position (GRCh38, 1-based): chr12:110,640,499, C>T. VCF-style: chr12-110640499-C-T. GRCh37 (hg19) VCF-style: chr12-111078304-C-T.
Other names: c.960C>T, p.Cys320= (NM_001082537.3, NM_001319680.2); c.792C>T, p.Cys264= (NM_001173975.3); c.780C>T, p.Cys260= (NM_001173976.2); c.426C>T, p.Cys142= (NM_001319681.2); c.918C>T, p.Cys306= (NM_024549.6).
Identifiers: ClinVar variation 307208 (VCV000307208.19), dbSNP rs145970332, ClinGen allele CA6786777.

ClinVar aggregate classification (germline): Conflicting classifications of pathogenicity. Review status: criteria provided, conflicting classifications (1 of 4 stars). 5 submissions from 5 submitters: Uncertain significance (1); Likely benign (3). 1 of the submissions does not count toward it. Last evaluated 2026-01-26.

Conditions:
TCTN1-related disorder. Also called: TCTN1-related condition.
Meckel-Gruber syndrome. Also called: GRUBER SYNDROME; DYSENCEPHALIA SPLANCHNOCYSTICA; Dysencephalia splachnocystica. Identifiers: Orphanet 564, MedGen C0265215, MONDO:0018921.
Joubert syndrome. Also called: JOUBERT-BOLTSHAUSER SYNDROME; Familial aplasia of the vermis. Identifiers: Orphanet 475, MedGen C5979921, MONDO:0018772.
Joubert syndrome 13 (JBTS13). Identifiers: Orphanet 475, MedGen C3280031, MONDO:0013608, OMIM 614173.

Allele frequency attached by ClinVar (database versions not stated): 1000 Genomes Project 30x 0.00031; TOPMed 0.00043; gnomAD 0.00049 and 0.00051; gnomAD exomes 0.00062 and 0.00079; ESP Exome Variant Server 0.00086; ExAC 0.00112.
gnomAD v4.1: 989 of 1,614,202 alleles (0.061%); highest among the groups gnomAD compares: Non-Finnish European, 0.067%; 1 homozygote.

Submissions (5):

Labcorp Genetics (formerly Invitae), Labcorp
Classification: Likely benign for Joubert syndrome; Meckel-Gruber syndrome. Last evaluated: 2026-01-26. Review status: criteria provided, single submitter. Criteria: Invitae Variant Classification Sherloc (09022015). Collection method: clinical testing. Allele origin: germline.

Blueprint Genetics
Classification: Likely benign. Last evaluated: 2024-08-06. Review status: criteria provided, single submitter. Criteria: ACMG Guidelines, 2015. Collection method: clinical testing. Allele origin: germline.

GeneDx
Classification: Likely benign. Last evaluated: 2019-02-11. Review status: criteria provided, single submitter. Criteria: GeneDx Variant Classification Process June 2021. Collection method: clinical testing. Allele origin: germline. Affected: yes.

Illumina Laboratory Services, Illumina
Classification: Uncertain significance for Joubert syndrome 13. Last evaluated: 2018-01-13. Review status: criteria provided, single submitter. Criteria: ICSL Variant Classification Criteria 13 December 2019. Collection method: clinical testing. Allele origin: germline.

PreventionGenetics, part of Exact Sciences
Classification: Likely benign for TCTN1-related condition. Last evaluated: 2024-01-08. Review status: no assertion criteria provided. Collection method: clinical testing. Allele origin: germline. Not counted in ClinVar's aggregate classification.
Comment: This variant is classified as likely benign based on ACMG/AMP sequence variant interpretation guidelines (Richards et al. 2015 PMID: 25741868, with internal and published modifications).